The following is an entry in ClinVar:

NM_001267550.2(TTN):c.64238A>G (p.Asp21413Gly)

Genes: TTN (titin; minus strand), TTN-AS1 (TTN antisense RNA 1; plus strand). Cytogenetic location: 2q31.2.
Variant type: single nucleotide variant.
Coding change: c.64238A>G on transcript NM_001267550.2 (MANE Select); coding-DNA position 64238, A replaced by G.
Protein change: p.Asp21413Gly; replaces aspartic acid 21413 with glycine.
Molecular consequence: missense variant.
Genome position (GRCh38, 1-based): chr2:178,586,663, T>C on the plus strand (A>G on the coding strand, the complement: TTN is on the minus strand). VCF-style: chr2-178586663-T-C. GRCh37 (hg19) VCF-style: chr2-179451390-T-C.
Other names: p.Asp19772Gly; c.59315A>G, p.Asp19772Gly (NM_001256850.1); c.37043A>G, p.Asp12348Gly (NM_003319.4); c.56534A>G, p.Asp18845Gly (NM_133378.4); c.37418A>G, p.Asp12473Gly (NM_133432.3); c.37619A>G, p.Asp12540Gly (NM_133437.4); short protein forms D18845G, D21413G, D19772G, D12473G, D12540G, D12348G.
Identifiers: ClinVar variation 592937 (VCV000592937.22), dbSNP rs375659466, ClinGen allele CA1991931.

ClinVar aggregate classification (germline): Conflicting classifications of pathogenicity. Review status: criteria provided, conflicting classifications (1 of 4 stars). 11 submissions from 7 submitters: Uncertain significance (9); Likely benign (2). Last evaluated 2024-12-03.

Conditions:
Cardiomyopathy (CMYO). Also called: Cardiomyopathies. Identifiers: Orphanet 167848, MedGen C0878544, MONDO:0004994, HP:0001638. Inheritance: Various modes of inheritance.
Early-onset myopathy with fatal cardiomyopathy (CMYO5). Also called: CONGENITAL MYOPATHY 5 WITH CARDIOMYOPATHY; Salih Myopathy. Identifiers: Orphanet 289377, MedGen C2673677, MONDO:0012714, OMIM 611705. Disease mechanism: loss of function.
Myopathy, myofibrillar, 9, with early respiratory failure (MFM9). Also called: Myopathy, distal, with early respiratory failure, autosomal dominant; Hereditary myopathy with early respiratory failure; EDSTROM MYOPATHY; MYOPATHY, PROXIMAL, WITH EARLY RESPIRATORY MUSCLE INVOLVEMENT. Identifiers: Orphanet 178464, Orphanet 34521, MedGen C1863599, MONDO:0011362, OMIM 603689.
Autosomal recessive limb-girdle muscular dystrophy type 2J (LGMDR10). Also called: MUSCULAR DYSTROPHY, LIMB-GIRDLE, AUTOSOMAL RECESSIVE 10; Limb-girdle muscular dystrophy, type 2J. Identifiers: Orphanet 140922, MedGen C1837342, MONDO:0012127, OMIM 608807.
Tibial muscular dystrophy (TMD). Also called: Tibial muscular dystrophy, tardive; Udd Distal Myopathy – Tibial Muscular Dystrophy; UDD MYOPATHY. Identifiers: Orphanet 609, MedGen C1838244, MONDO:0010870, OMIM 600334.
Dilated cardiomyopathy 1G (CMD1G). Identifiers: Orphanet 154, MedGen C1858763, MONDO:0011400, OMIM 604145.

Allele frequency attached by ClinVar (database versions not stated): gnomAD exomes 0.00001 and 0.00005; ExAC 0.00002; gnomAD 0.00002 and 0.00003; TOPMed 0.00003; ESP Exome Variant Server 0.00008; 1000 Genomes Project 30x 0.00016; 1000 Genomes Project 0.00020.
gnomAD v4.1: 71 of 1,613,234 alleles (0.0044%); highest among the groups gnomAD compares: Non-Finnish European, 0.0058%; no homozygotes.

Submissions (11):

Revvity Omics, Revvity
Classification: Uncertain significance. Last evaluated: 2024-12-03. Review status: criteria provided, single submitter. Criteria: ACMG Guidelines, 2015. Collection method: clinical testing. Allele origin: germline.

Mayo Clinic Laboratories, Mayo Clinic
Classification: Uncertain significance. Last evaluated: 2024-04-24. Review status: criteria provided, single submitter. Criteria: ACMG Guidelines, 2015. Collection method: clinical testing. Allele origin: germline. Observed: 1 variant allele.
Comment: BP4

CHEO Genetics Diagnostic Laboratory, Children's Hospital of Eastern Ontario
Classification: Uncertain significance for Cardiomyopathy. Last evaluated: 2021-09-27. Review status: criteria provided, single submitter. Criteria: ACMG Guidelines, 2015. Collection method: clinical testing. Allele origin: germline. Study: Canadian Open Genetics Repository.

GeneDx
Classification: Uncertain significance. Last evaluated: 2019-02-15. Review status: criteria provided, single submitter. Criteria: GeneDx Variant Classification Process June 2021. Collection method: clinical testing. Allele origin: germline. Affected: yes.

ARUP Laboratories, Molecular Genetics and Genomics, ARUP Laboratories
Classification: Uncertain significance. Last evaluated: 2018-12-26. Review status: criteria provided, single submitter. Criteria: ARUP Molecular Germline Variant Investigation Process. Collection method: clinical testing. Allele origin: germline.
Comment: The TTN c.56534A>G; p.Asp18845Gly variant (rs375659466) is rare in the general population (<1% allele frequency in the Genome Aggregation Database) and has not been reported in the medical literature in association with dilated cardiomyopathy (DCM) or other TTN-related disease. The clinical relevance of rare missense variants in this gene, which are identified on average once per individual sequenced in affected populations (Herman 2012), is not well understood. Yet, evidence suggests that the vast majority of such missense variants do not contribute to the clinical outcome of DCM (Begay 2015). Thus, the clinical significance of the p.Asp18845Gly variant cannot be determined with certainty. References: Begay RL et al. Role of Titin Missense Variants in Dilated Cardiomyopathy. J Am Heart Assoc. 2015 Nov 13;4(11). Herman DS et al. Truncations of titin causing dilated cardiomyopathy. N Engl J Med. 2012 Feb 16;366(7):619-28. Linke and Hamdani. Gigantic business: titin properties and function through thick and thin. Circ Res 2014; 114(6): 1052-1068.

Eurofins Ntd Llc (ga)
Classification: Uncertain significance. Last evaluated: 2018-08-29. Review status: criteria provided, single submitter. Criteria: EGL ClinVar v180209 classification definitions. Collection method: clinical testing. Allele origin: germline. Observed: 2 variant alleles, 2 heterozygotes.

Illumina Laboratory Services, Illumina
Classification: Uncertain significance for Early-onset myopathy with fatal cardiomyopathy. Last evaluated: 2018-01-13. Review status: criteria provided, single submitter. Criteria: ICSL Variant Classification Criteria 13 December 2019. Collection method: clinical testing. Allele origin: germline.

Illumina Laboratory Services, Illumina
Classification: Likely benign for Myopathy, myofibrillar, 9, with early respiratory failure. Last evaluated: 2018-01-13. Review status: criteria provided, single submitter. Criteria: ICSL Variant Classification Criteria 13 December 2019. Collection method: clinical testing. Allele origin: germline.
Comment: This variant was observed in the ICSL laboratory as part of a predisposition screen in an ostensibly healthy population. It had not been previously curated by ICSL or reported in the Human Gene Mutation Database (HGMD: prior to June 1st, 2018), and was therefore a candidate for classification through an automated scoring system. Utilizing variant allele frequency, disease prevalence and penetrance estimates, and inheritance mode, an automated score was calculated to assess if this variant is too frequent to cause the disease. Based on the score and internal cut-off values, a variant classified as likely benign is not then subjected to further curation. The score for this variant resulted in a classification of likely benign for this disease.

Illumina Laboratory Services, Illumina
Classification: Likely benign for Tibial muscular dystrophy. Last evaluated: 2018-01-13. Review status: criteria provided, single submitter. Criteria: ICSL Variant Classification Criteria 13 December 2019. Collection method: clinical testing. Allele origin: germline.
Comment: the same text as in the submission from Illumina Laboratory Services, Illumina above.

Illumina Laboratory Services, Illumina
Classification: Uncertain significance for Autosomal recessive limb-girdle muscular dystrophy type 2J. Last evaluated: 2018-01-13. Review status: criteria provided, single submitter. Criteria: ICSL Variant Classification Criteria 13 December 2019. Collection method: clinical testing. Allele origin: germline.

Illumina Laboratory Services, Illumina
Classification: Uncertain significance for Dilated cardiomyopathy 1G. Last evaluated: 2018-01-13. Review status: criteria provided, single submitter. Criteria: ICSL Variant Classification Criteria 13 December 2019. Collection method: clinical testing. Allele origin: germline.